The following is an entry in ClinVar:

NM_000088.4(COL1A1):c.4249-3C>T

Gene: COL1A1 (collagen type I alpha 1 chain; minus strand). Cytogenetic location: 17q21.33.
Variant type: single nucleotide variant.
Coding change: c.4249-3C>T on transcript NM_000088.4 (MANE Select); 3 bases into the intron before coding-DNA position 4249, C replaced by T.
Molecular consequence: intron variant.
Genome position (GRCh38, 1-based): chr17:50,185,651, G>A on the plus strand (C>T on the coding strand, the complement: COL1A1 is on the minus strand). VCF-style: chr17-50185651-G-A. GRCh37 (hg19) VCF-style: chr17-48263012-G-A.
Identifiers: ClinVar variation 3712611 (VCV003712611.2).
Genomic context (GRCh38, chr17:50,185,651, plus strand): 5'-GGGAGGTCTTGGTGGTTTTGTATTCAATCACTGTCTTGCCCCAGGCTCCGGTGTGACTCT[G>A]GGGTGGGGCGGAGACAACGGGAGGGGGCATTACCACGTGGGAGTGATGGAGAGAGGGCAC-3'

ClinVar aggregate classification (germline): Uncertain significance (1 of 4 stars; one submission).

Conditions:
Osteogenesis imperfecta type I (OI1). Also called: OI, TYPE I; OSTEOGENESIS IMPERFECTA TARDA; OSTEOGENESIS IMPERFECTA WITH BLUE SCLERAE; Osteogenesis imperfecta type 1; Lobstein's Disease; Lobstein disease. Identifiers: Orphanet 216796, Orphanet 666, MedGen C0023931, MONDO:0008146, OMIM 166200. Disease mechanism: loss of function.

gnomAD v4.1: 1 of 1,613,596 alleles (0.000062%); highest among the groups gnomAD compares: African/African-American, 0.0013%; no homozygotes.

Submission:

Labcorp Genetics (formerly Invitae), Labcorp
Classification: Uncertain significance for Osteogenesis imperfecta type I. Last evaluated: 2024-07-24. Review status: criteria provided, single submitter. Criteria: Invitae Variant Classification Sherloc (09022015). Collection method: clinical testing. Allele origin: germline.
Comment: This sequence change falls in intron 50 of the COL1A1 gene. It does not directly change the encoded amino acid sequence of the COL1A1 protein. It affects a nucleotide within the consensus splice site. This variant is present in population databases (no rsID available, gnomAD 0.01%). This variant has not been reported in the literature in individuals affected with COL1A1-related conditions. Variants that disrupt the consensus splice site are a relatively common cause of aberrant splicing (PMID: 17576681, 9536098). Algorithms developed to predict the effect of sequence changes on RNA splicing suggest that this variant is not likely to affect RNA splicing. In summary, the available evidence is currently insufficient to determine the role of this variant in disease. Therefore, it has been classified as a Variant of Uncertain Significance.

Literature cited by the submitters: PubMed 17576681; PubMed 9536098.